The following is an entry in ClinVar:

ClinVar aggregate classification (germline): Likely benign. Review status: criteria provided, multiple submitters, no conflicts (2 of 4 stars). 2 submissions from 2 submitters: Likely benign (2). Last evaluated 2025-11-08.

Allele frequency attached by ClinVar (database versions not stated): ExAC 0.00002; gnomAD 0.00002.
gnomAD v4.1: 15 of 1,613,830 alleles (0.00093%); highest among the groups gnomAD compares: Admixed American, 0.013%; no homozygotes.

Submissions (2):

Labcorp Genetics (formerly Invitae), Labcorp
Classification: Likely benign. Last evaluated: 2025-11-08. Review status: criteria provided, single submitter. Criteria: Invitae Variant Classification Sherloc (09022015). Collection method: clinical testing. Allele origin: germline.

Women's Health and Genetics/Laboratory Corporation of America, LabCorp
Classification: Likely benign. Last evaluated: 2024-08-05. Review status: criteria provided, single submitter. Criteria: LabCorp Variant Classification Summary - May 2015. Collection method: clinical testing. Allele origin: germline.
Comment: Variant summary: LPL c.1019-18G>A alters a non-conserved nucleotide located at a position not widely known to affect splicing. Consensus agreement among computation tools predict no significant impact on normal splicing. However, these predictions have yet to be confirmed by functional studies. The variant allele was found at a frequency of 4e-05 in 251254 control chromosomes. This frequency is not significantly higher than estimated for a pathogenic variant in LPL causing Familial Lipoprotein Lipase Deficiency (4e-05 vs 0.0034), allowing no conclusion about variant significance. To our knowledge, no occurrence of c.1019-18G>A in individuals affected with Familial Lipoprotein Lipase Deficiency and no experimental evidence demonstrating its impact on protein function have been reported. ClinVar contains an entry for this variant (Variation ID: 2913183). Based on the evidence outlined above, the variant was classified as likely benign.

NM_000237.3(LPL):c.1019-18G>A

Gene: LPL (lipoprotein lipase; plus strand). Cytogenetic location: 8p21.3.
Variant type: single nucleotide variant.
Coding change: c.1019-18G>A on transcript NM_000237.3 (MANE Select); 18 bases into the intron before coding-DNA position 1019, G replaced by A.
Molecular consequence: intron variant.
Genome position (GRCh38, 1-based): chr8:19,959,242, G>A. VCF-style: chr8-19959242-G-A. GRCh37 (hg19) VCF-style: chr8-19816753-G-A.
Identifiers: ClinVar variation 2913183 (VCV002913183.4), dbSNP rs762546050, ClinGen allele CA4655585.
Genomic context (GRCh38, chr8:19,959,242, plus strand): 5'-TTCTGAATTGCCTGACTATTTGGGGTTGTGATATTTTCATAAAGATTGATCAACATGTTC[G>A]AATTTCCTCCCCAACAGTCTTCCATTACCAAGTAAAGATTCATTTTTCTGGGACTGAGAG-3'